The following is an entry in ClinVar:

ClinVar aggregate classification (germline): Pathogenic. Review status: criteria provided, single submitter (1 of 4 stars). 2 submissions from 2 submitters: Pathogenic (1). 1 of the submissions does not count toward it. Last evaluated 2014-12-20.

Conditions:
Generalized epilepsy. Identifiers: MedGen C0014548, MONDO:0100574.
Severe myoclonic epilepsy in infancy (DRVT). Also called: SEVERE MYOCLONIC EPILEPSY OF INFANCY; DEVELOPMENTAL AND EPILEPTIC ENCEPHALOPATHY 6A; Severe Myoclonic Epilepsy in Infancy (SMEI); Dravet syndrome; Epileptic encephalopathy, early infantile, 6 (Dravet syndrome). Identifiers: Orphanet 33069, MedGen C0751122, MONDO:0100135, OMIM 607208.

Submissions (2):

Center for Bioinformatics, Peking University
Classification: Pathogenic for Dravet syndrome. Last evaluated: 2014-12-20. Review status: criteria provided, single submitter. Criteria: Xu et al. (Hum Mutat. 2015). Collection method: research. Allele origin: de novo. Affected: yes. Observed: 1 variant allele. Study: University Clinical Cooperation “985 Project” PKU-2014-1-1.
Comment: Dravet syndrome (DS) probands were recruited from the outpatient and inpatient child neurology units of Peking University First Hospital from 2005 till present. The study was approved by the Ethics Committee of Peking University First Hospital and the Institutional Review Board at Peking University. Participants or their parents provided written informed consent before enrollment. We collected a total of 267 mutations from 255 families with probands diagnosed with DS in China. All probands fulfilled the clinical diagnostic criteria.

UniProtKB/Swiss-Prot
No classification provided. Review status: no classification provided. Collection method: not provided. Allele origin: unknown. Not counted in ClinVar's aggregate classification.

NM_001165963.4(SCN1A):c.1876A>G (p.Ser626Gly)

Gene: SCN1A (sodium voltage-gated channel alpha subunit 1; minus strand). Cytogenetic location: 2q24.3.
Variant type: single nucleotide variant.
Coding change: c.1876A>G on transcript NM_001165963.4 (MANE Select); coding-DNA position 1876, A replaced by G.
Protein change: p.Ser626Gly; replaces serine 626 with glycine.
Molecular consequence: missense variant. On other transcripts: 5 prime UTR variant (1), non-coding transcript variant (1).
Genome position (GRCh38, 1-based): chr2:166,043,836, T>C on the plus strand (A>G on the coding strand, the complement: SCN1A is on the minus strand). VCF-style: chr2-166043836-T-C. GRCh37 (hg19) VCF-style: chr2-166900346-T-C.
Other names: c.1876A>G, p.Ser626Gly (NM_001165964.3, NM_001202435.3, NM_001353948.2 and 7 more transcripts); c.1873A>G, p.Ser625Gly (NM_001353954.2, NM_001353955.2, NM_001353960.2); c.-550A>G (NM_001353961.2); short protein forms S626G, S625G.
Identifiers: ClinVar variation 68512 (VCV000068512.1), dbSNP rs121917990, ClinGen allele CA145235.
Genomic context (GRCh38, chr2:166,043,836, plus strand): 5'-CCACAGTGCTGTGCATCTTCCCATTCGCTGGAAACACTGCCAGCATCCGGGATGACCTAC[T>C]GGTCTGACTCAGGTTGCTGTTGCGTCTCTCTCCGTGTCGTCGGGGCACAAACAAGGAATC-3'
Protein context (NP_001159435.1, residues 616-636): ERRNSNLSQT[Ser626Gly]RSSRMLAVFP